The following is an entry in ClinVar:

NM_000937.5(POLR2A):c.3606T>C (p.Phe1202=)

Gene: POLR2A (RNA polymerase II subunit A; plus strand). Cytogenetic location: 17p13.1.
Variant type: single nucleotide variant.
Coding change: c.3606T>C on transcript NM_000937.5 (MANE Select); coding-DNA position 3606, T replaced by C.
Protein change: p.Phe1202=; no amino-acid change (phenylalanine 1202 retained).
Molecular consequence: synonymous variant.
Genome position (GRCh38, 1-based): chr17:7,509,084, T>C. VCF-style: chr17-7509084-T-C. GRCh37 (hg19) VCF-style: chr17-7412403-T-C.
Identifiers: ClinVar variation 1239699 (VCV001239699.6), dbSNP rs2228133, ClinGen allele CA8350009.

ClinVar aggregate classification (germline): Benign. Review status: criteria provided, multiple submitters, no conflicts (2 of 4 stars). 3 submissions from 3 submitters: Benign (2). 1 of the submissions does not count toward it. Last evaluated 2020-05-14.

Conditions:
POLR2A-related disorder. Also called: POLR2A-related condition.

Allele frequency attached by ClinVar (database versions not stated): ESP Exome Variant Server 0.06751; gnomAD exomes 0.07833 and 0.10907; gnomAD 0.08920 and 0.09159; TOPMed 0.08941; ExAC 0.10164; 1000 Genomes Project 30x 0.10853; 1000 Genomes Project 0.11042.

Submissions (3):

GeneDx
Classification: Benign. Last evaluated: 2020-05-14. Review status: criteria provided, single submitter. Criteria: GeneDx Variant Classification Process June 2021. Collection method: clinical testing. Allele origin: germline. Affected: yes.

Breakthrough Genomics
Classification: Benign. Review status: criteria provided, single submitter. Criteria: ACMG Guidelines, 2015. Collection method: not provided. Allele origin: germline. Inheritance: Autosomal dominant inheritance. Affected: yes.

PreventionGenetics, part of Exact Sciences
Classification: Benign for POLR2A-related condition. Last evaluated: 2019-10-30. Review status: no assertion criteria provided. Collection method: clinical testing. Allele origin: germline. Not counted in ClinVar's aggregate classification.
Comment: This variant is classified as benign based on ACMG/AMP sequence variant interpretation guidelines (Richards et al. 2015 PMID: 25741868, with internal and published modifications).